The following is an entry in ClinVar:

ClinVar aggregate classification (germline): Uncertain significance (1 of 4 stars; one submission).

Submission:

Ambry Genetics
Classification: Uncertain significance. Last evaluated: 2023-11-16. Review status: criteria provided, single submitter. Criteria: Ambry Variant Classification Scheme 2023. Collection method: clinical testing. Allele origin: germline.
Comment: The p.E1379Q variant (also known as c.4135G>C), located in coding exon 17 of the NPAT gene, results from a G to C substitution at nucleotide position 4135. The glutamic acid at codon 1379 is replaced by glutamine, an amino acid with highly similar properties. This amino acid position is conserved. In addition, this alteration is predicted to be tolerated by in silico analysis. Since supporting evidence is limited at this time, the clinical significance of this alteration remains unclear.

NM_002519.3(NPAT):c.4135G>C (p.Glu1379Gln)

Gene: NPAT (nuclear protein, coactivator of histone transcription; minus strand). Cytogenetic location: 11q22.3.
Variant type: single nucleotide variant.
Coding change: c.4135G>C on transcript NM_002519.3 (MANE Select); coding-DNA position 4135, G replaced by C.
Protein change: p.Glu1379Gln; replaces glutamic acid 1379 with glutamine.
Molecular consequence: missense variant.
Genome position (GRCh38, 1-based): chr11:108,160,951, C>G on the plus strand (G>C on the coding strand, the complement: NPAT is on the minus strand). VCF-style: chr11-108160951-C-G. GRCh37 (hg19) VCF-style: chr11-108031678-C-G.
Other names: c.4156G>C, p.Glu1386Gln (NM_001321307.1); short protein forms E1379Q, E1386Q.
Identifiers: ClinVar variation 3222623 (VCV003222623.1), dbSNP rs2496693064, ClinGen allele CA382509291.